The following is an entry in ClinVar:

ClinVar aggregate classification (germline): Pathogenic. Review status: criteria provided, multiple submitters, no conflicts (2 of 4 stars). 4 submissions from 4 submitters: Pathogenic (3). 1 of the submissions does not count toward it. Last evaluated 2025-11-13.

Conditions:
Pulmonary arterial hypertension related to hereditary hemorrhagic telangiectasia. Also called: PULMONARY ARTERIAL HYPERTENSION, HEREDITARY HEMORRHAGIC TELANGIECTASIA-RELATED. Identifiers: MedGen C1832529.
Cardiovascular phenotype. Identifiers: MedGen CN230736.
Telangiectasia, hereditary hemorrhagic, type 2 (HHT2). Also called: ACVRL1-Related Hereditary Hemorrhagic Telangiectasia; Telangiectasia, hereditary hemorrhagic, type II. Identifiers: Orphanet 774, MedGen C1838163, MONDO:0010880, OMIM 600376. Disease mechanism: loss of function.

Submissions (4):

Ambry Genetics
Classification: Pathogenic for Cardiovascular phenotype. Last evaluated: 2025-11-13. Review status: criteria provided, single submitter. Criteria: Ambry Variant Classification Scheme 2023. Collection method: clinical testing. Allele origin: germline.
Comment: The p.S462* pathogenic mutation (also known as c.1385C>G), located in coding exon 9 of the ACVRL1 gene, results from a C to G substitution at nucleotide position 1385. This changes the amino acid from a serine to a stop codon within coding exon 9. This alteration occurs at the 3' terminus of the gene, is not expected to trigger nonsense-mediated mRNA decay, and impacts the last 8% of the protein. However, premature stop codons are typically deleterious in nature and the impacted region is critical for protein function (Ambry internal data). This variant was identified in one or more individuals with features consistent with hereditary hemorrhagic telangiectasia (HHT) and segregated with disease in at least one family (Abdalla SA et al. Eur. Respir. J., 2004 Mar;23:373-7; Olivieri C et al. J. Hum. Genet., 2007 Sep;52:820-9). This variant is considered to be rare based on population cohorts in the Genome Aggregation Database (gnomAD). Based on the supporting evidence, this variant is interpreted as a disease-causing mutation.

Labcorp Genetics (formerly Invitae), Labcorp
Classification: Pathogenic for Telangiectasia, hereditary hemorrhagic, type 2. Last evaluated: 2024-01-17. Review status: criteria provided, single submitter. Criteria: Invitae Variant Classification Sherloc (09022015). Collection method: clinical testing. Allele origin: germline.
Comment: This sequence change creates a premature translational stop signal (p.Ser462*) in the ACVRL1 gene. While this is not anticipated to result in nonsense mediated decay, it is expected to disrupt the last 42 amino acid(s) of the ACVRL1 protein. This variant is not present in population databases (gnomAD no frequency). This premature translational stop signal has been observed in individuals with ACVRL1-related conditions (PMID: 15065824, 29631995; Invitae). ClinVar contains an entry for this variant (Variation ID: 426031). This variant disrupts a region of the ACVRL1 protein in which other variant(s) (p.Gln490*) have been determined to be pathogenic (PMID: 11484689, 16429404, 24603890). This suggests that this is a clinically significant region of the protein, and that variants that disrupt it are likely to be disease-causing. For these reasons, this variant has been classified as Pathogenic.

ARUP Laboratories, Molecular Genetics and Genomics, ARUP Laboratories
Classification: Pathogenic. Last evaluated: 2018-04-03. Review status: criteria provided, single submitter. Criteria: ARUP Molecular Germline Variant Investigation Process. Collection method: clinical testing. Allele origin: germline.
Comment: The ACVRL1 c.1385C>G; p.Ser462Ter variant (rs1085307422) is reported in the literature in individuals with HHT (Abdalla 2004, Olivieri 2007) and is reported in ClinVar (Variation ID: 426031). This variant is absent from the general population databases (1000 Genomes Project, Exome Variant Server, Genome Aggregation Database), indicating it is not a common polymorphism. This variant induces an early termination codon and is predicted to result in a truncated protein. Furthermore, several truncating variants downstream (p.Leu464Ter, p.Glu470Ter, p.Cys471Ter, p.Arg479Ter, p.Gln490Ter) have been associated with HHT and are considered pathogenic (see HHT database link). Based on available information, the p.Ser462Ter variant is considered pathogenic. REFERENCES Link to ACVRL1 HHT database: Abdalla SA et al. Primary pulmonary hypertension in families with hereditary haemorrhagic telangiectasia. Eur Respir J. 2004 Mar;23(3):373-7. Olivieri C et al. Analysis of ENG and ACVRL1 genes in 137 HHT Italian families identifies 76 different mutations (24 novel). Comparison with other European studies. J Hum Genet. 2007;52(10):820-9.

Rare Disease Genomics Group, St George's University of London
Classification: Pathogenic for Pulmonary arterial hypertension related to hereditary hemorrhagic telangiectasia. Review status: no assertion criteria provided. Collection method: literature only. Allele origin: germline. Affected: yes. Not counted in ClinVar's aggregate classification.

Literature cited by the submitters: PubMed 15065824 (cited by 3 submitters); PubMed 17786384 (cited by Ambry Genetics); PubMed 20056902 (cited by Ambry Genetics); PubMed 29631995 (cited by Labcorp Genetics (formerly Invitae), Labcorp); PubMed 11484689 (cited by Labcorp Genetics (formerly Invitae), Labcorp); PubMed 16429404 (cited by Labcorp Genetics (formerly Invitae), Labcorp); PubMed 24603890 (cited by Labcorp Genetics (formerly Invitae), Labcorp).

NM_000020.3(ACVRL1):c.1385C>G (p.Ser462Ter)

Gene: ACVRL1 (activin A receptor like type 1; plus strand). Cytogenetic location: 12q13.13.
Variant type: single nucleotide variant.
Coding change: c.1385C>G on transcript NM_000020.3 (MANE Select); coding-DNA position 1385, C replaced by G.
Protein change: p.Ser462Ter; replaces serine 462 with a stop codon.
Molecular consequence: nonsense.
Genome position (GRCh38, 1-based): chr12:51,920,766, C>G. VCF-style: chr12-51920766-C-G. GRCh37 (hg19) VCF-style: chr12-52314550-C-G.
Other names: c.1385C>G, p.Ser462Ter (NM_001077401.2); short protein forms S462*.
Identifiers: ClinVar variation 426031 (VCV000426031.14), dbSNP rs1085307422, ClinGen allele CA384905272.
Genomic context (GRCh38, chr12:51,920,766, plus strand): 5'-TCTGCATCTCTCTCTCTGCCTCCTCTCCTCTGCACCTCTCTCCCAACCCCCAGGTCCTCT[C>G]AGGCCTAGCTCAGATGATGCGGGAGTGCTGGTACCCAAACCCCTCTGCCCGACTCACCGC-3'